The following is an entry in ClinVar:

NM_001142864.4(PIEZO1):c.2139C>T (p.His713=)

Genes: HSALR1 (HSP90AB1 associated lncRNA 1; plus strand), PIEZO1 (piezo type mechanosensitive ion channel component 1 (Er blood group); minus strand). Cytogenetic location: 16q24.3.
Variant type: single nucleotide variant.
Coding change: c.2139C>T on transcript NM_001142864.4 (MANE Select); coding-DNA position 2139, C replaced by T.
Protein change: p.His713=; no amino-acid change (histidine 713 retained).
Molecular consequence: synonymous variant.
Genome position (GRCh38, 1-based): chr16:88,734,397, G>A on the plus strand (C>T on the coding strand, the complement: PIEZO1 is on the minus strand). VCF-style: chr16-88734397-G-A. GRCh37 (hg19) VCF-style: chr16-88800805-G-A.
Other names: p.His713=.
Identifiers: ClinVar variation 773310 (VCV000773310.40), dbSNP rs36067616, ClinGen allele CA8232863.

ClinVar aggregate classification (germline): Benign/Likely benign. Review status: criteria provided, multiple submitters, no conflicts (2 of 4 stars). 6 submissions from 6 submitters: Benign (2); Likely benign (4). Last evaluated 2026-09-01.

Allele frequency attached by ClinVar (database versions not stated): 1000 Genomes Project 0.00200; 1000 Genomes Project 30x 0.00203; TOPMed 0.00428; gnomAD 0.00547 and 0.00564; ExAC 0.00596; ESP Exome Variant Server 0.00789.
gnomAD v4.1: 11,101 of 1,548,462 alleles (0.72%); highest among the groups gnomAD compares: Non-Finnish European, 0.81%; 60 homozygotes.

Submissions (6):

CeGaT Center for Human Genetics Tuebingen
Classification: Likely benign. Last evaluated: 2026-09-01. Review status: criteria provided, single submitter. Criteria: CeGaT Center For Human Genetics Tuebingen Variant Classification Criteria Version 2. Collection method: clinical testing. Allele origin: germline. Affected: yes. Observed: 15 variant alleles.
Comment: PIEZO1: BP4, BP7, BS2

Labcorp Genetics (formerly Invitae), Labcorp
Classification: Benign. Last evaluated: 2026-01-21. Review status: criteria provided, single submitter. Criteria: Invitae Variant Classification Sherloc (09022015). Collection method: clinical testing. Allele origin: germline.

Mayo Clinic Laboratories, Mayo Clinic
Classification: Likely benign. Last evaluated: 2025-10-28. Review status: criteria provided, single submitter. Criteria: ACMG Guidelines, 2015. Collection method: clinical testing. Allele origin: germline. Observed: 21 variant alleles.
Comment: BP4, BP7

ARUP Laboratories, Molecular Genetics and Genomics, ARUP Laboratories
Classification: Benign. Last evaluated: 2025-07-04. Review status: criteria provided, single submitter. Criteria: ARUP Molecular Germline Variant Investigation Process 2024. Collection method: clinical testing. Allele origin: germline.

GeneDx
Classification: Likely benign. Last evaluated: 2018-07-09. Review status: criteria provided, single submitter. Criteria: GeneDx Variant Classification Process June 2021. Collection method: clinical testing. Allele origin: germline. Affected: yes.

Breakthrough Genomics
Classification: Likely benign. Review status: criteria provided, single submitter. Criteria: ACMG Guidelines, 2015. Collection method: not provided. Allele origin: germline. Inheritance: Autosomal recessive inheritance. Affected: yes.